The following is an entry in ClinVar:

NM_005269.3(GLI1):c.1086T>C (p.Tyr362=)

Gene: GLI1 (GLI family zinc finger 1; plus strand). Cytogenetic location: 12q13.3.
Variant type: single nucleotide variant.
Coding change: c.1086T>C on transcript NM_005269.3 (MANE Select); coding-DNA position 1086, T replaced by C.
Protein change: p.Tyr362=; no amino-acid change (tyrosine 362 retained).
Molecular consequence: synonymous variant.
Genome position (GRCh38, 1-based): chr12:57,468,002, T>C. VCF-style: chr12-57468002-T-C. GRCh37 (hg19) VCF-style: chr12-57861785-T-C.
Other names: c.702T>C, p.Tyr234= (NM_001160045.2); c.963T>C, p.Tyr321= (NM_001167609.2).
Identifiers: ClinVar variation 3056654 (VCV003056654.2), dbSNP rs61734545, ClinGen allele CA6648723.
Genomic context (GRCh38, chr12:57,468,002, plus strand): 5'-CATTCTTCCGCTTTGATCCGTTTGCCTTCTGTCTCCACTCTCCACTCAACAGAAGCCGTA[T>C]GTATGTAAGCTCCCTGGCTGCACCAAACGCTATACAGATCCTAGCTCGCTGCGAAAACAT-3'
Protein context (NP_005260.1, residues 352-372): QNRTHSNEKP[Tyr362=]VCKLPGCTKR

ClinVar aggregate classification (germline): Benign (0 of 4 stars; one submission).

Conditions:
GLI1-related disorder. Also called: GLI1-related condition.

Allele frequency attached by ClinVar (database versions not stated): 1000 Genomes Project 30x 0.01421; 1000 Genomes Project 0.01518; gnomAD 0.02292; TOPMed 0.02299; ESP Exome Variant Server 0.02499; ExAC 0.02659; gnomAD exomes 0.03183.

Submission:

PreventionGenetics, part of Exact Sciences
Classification: Benign for GLI1-related condition. Last evaluated: 2019-02-21. Review status: no assertion criteria provided. Collection method: clinical testing. Allele origin: germline.
Comment: This variant is classified as benign based on ACMG/AMP sequence variant interpretation guidelines (Richards et al. 2015 PMID: 25741868, with internal and published modifications).